The following is an entry in ClinVar:

NM_001145809.2(MYH14):c.3760G>A (p.Glu1254Lys)

Gene: MYH14 (myosin heavy chain 14; plus strand). Cytogenetic location: 19q13.33.
Variant type: single nucleotide variant.
Coding change: c.3760G>A on transcript NM_001145809.2 (MANE Select); coding-DNA position 3760, G replaced by A.
Protein change: p.Glu1254Lys; replaces glutamic acid 1254 with lysine.
Molecular consequence: missense variant.
Genome position (GRCh38, 1-based): chr19:50,276,836, G>A. VCF-style: chr19-50276836-G-A. GRCh37 (hg19) VCF-style: chr19-50780093-G-A.
Other names: c.3661G>A, p.Glu1221Lys (NM_001077186.2); c.3637G>A, p.Glu1213Lys (NM_024729.4); short protein forms E1213K, E1221K, E1254K.
Identifiers: ClinVar variation 2580812 (VCV002580812.1), dbSNP rs2035526017, ClinGen allele CA406955615.

ClinVar aggregate classification (germline): Uncertain significance (1 of 4 stars; one submission).

Submission:

GeneDx
Classification: Uncertain significance. Last evaluated: 2023-03-20. Review status: criteria provided, single submitter. Criteria: GeneDx Variant Classification Process June 2021. Collection method: clinical testing. Allele origin: germline. Affected: yes.
Comment: Not observed at significant frequency in large population cohorts (gnomAD); In silico analysis supports that this missense variant has a deleterious effect on protein structure/function; Has not been previously published as pathogenic or benign to our knowledge